The following is an entry in ClinVar:

ClinVar aggregate classification (germline): Uncertain significance (1 of 4 stars; one submission).

Allele frequency attached by ClinVar (database versions not stated): gnomAD 0.00003; ExAC 0.00006; 1000 Genomes Project 30x 0.00016.
gnomAD v4.1: 65 of 1,613,944 alleles (0.004%); highest among the groups gnomAD compares: East Asian, 0.14%; no homozygotes.

Submission:

Labcorp Genetics (formerly Invitae), Labcorp
Classification: Uncertain significance. Last evaluated: 2023-08-25. Review status: criteria provided, single submitter. Criteria: Invitae Variant Classification Sherloc (09022015). Collection method: clinical testing. Allele origin: germline.
Comment: An algorithm developed to predict the effect of missense changes on protein structure and function (PolyPhen-2) suggests that this variant is likely to be disruptive. ClinVar contains an entry for this variant (Variation ID: 1926746). This variant has not been reported in the literature in individuals affected with MYO18B-related conditions. The frequency data for this variant in the population databases is considered unreliable, as metrics indicate poor data quality at this position in the gnomAD database. This sequence change replaces arginine, which is basic and polar, with leucine, which is neutral and non-polar, at codon 1332 of the MYO18B protein (p.Arg1332Leu). In summary, the available evidence is currently insufficient to determine the role of this variant in disease. Therefore, it has been classified as a Variant of Uncertain Significance.

NM_032608.7(MYO18B):c.3995G>T (p.Arg1332Leu)

Gene: MYO18B (myosin XVIIIB; plus strand). Cytogenetic location: 22q12.1.
Variant type: single nucleotide variant.
Coding change: c.3995G>T on transcript NM_032608.7 (MANE Select); coding-DNA position 3995, G replaced by T.
Protein change: p.Arg1332Leu; replaces arginine 1332 with leucine.
Molecular consequence: missense variant.
Genome position (GRCh38, 1-based): chr22:25,874,329, G>T. VCF-style: chr22-25874329-G-T. GRCh37 (hg19) VCF-style: chr22-26270296-G-T.
Other names: c.3998G>T, p.Arg1333Leu (NM_001318245.2); short protein forms R1333L, R1332L.
Identifiers: ClinVar variation 1926746 (VCV001926746.3), dbSNP rs185152597, ClinGen allele CA10160723.